The following is an entry in ClinVar:

NM_000059.4(BRCA2):c.3382A>G (p.Thr1128Ala)

Gene: BRCA2 (BRCA2 DNA repair associated; plus strand). Cytogenetic location: 13q13.1.
Variant type: single nucleotide variant.
Coding change: c.3382A>G on transcript NM_000059.4 (MANE Select); coding-DNA position 3382, A replaced by G.
Protein change: p.Thr1128Ala; replaces threonine 1128 with alanine.
Molecular consequence: missense variant.
Genome position (GRCh38, 1-based): chr13:32,337,737, A>G. VCF-style: chr13-32337737-A-G. GRCh37 (hg19) VCF-style: chr13-32911874-A-G.
Other names: p.T1128A:ACT>GCT; short protein forms T1128A.
Identifiers: ClinVar variation 182200 (VCV000182200.31), dbSNP rs730881523, ClinGen allele CA017896.
Genomic context (GRCh38, chr13:32,337,737, plus strand): 5'-AAGGCAGAAATTACAGAACTTTCTACTATATTAGAAGAATCAGGAAGTCAGTTTGAATTT[A>G]CTCAGTTTAGAAAACCAAGCTACATATTGCAGAAGAGTACATTTGAAGTGCCTGAAAACC-3'
Protein context (NP_000050.3, residues 1118-1138): LEESGSQFEF[Thr1128Ala]QFRKPSYILQ

ClinVar aggregate classification (germline): Conflicting classifications of pathogenicity. Review status: criteria provided, conflicting classifications (1 of 4 stars). 9 submissions from 9 submitters: Uncertain significance (8); Likely benign (1). Last evaluated 2025-10-09.

Conditions:
BRCA2-related cancer predisposition. Identifiers: MedGen CN377758, MONDO:0700269.
Hereditary cancer-predisposing syndrome. Also called: Tumor predisposition; Hereditary Cancer Syndrome; Hereditary neoplastic syndrome; Neoplastic Syndromes, Hereditary. Identifiers: Orphanet 140162, MedGen C0027672, MeSH D009386, MONDO:0015356.
Hereditary breast ovarian cancer syndrome. Also called: Breast and ovarian cancer; Hereditary breast and ovarian cancer; Hereditary breast and/or ovarian cancer syndrome; BRCA1- and BRCA2-Associated Hereditary Breast and Ovarian Cancer; Hereditary breast and ovarian cancer syndrome (HBOC); Hereditary breast and ovarian cancer syndrome. Identifiers: Orphanet 145, MedGen C0677776, MeSH D061325, MONDO:0003582. Disease mechanism: loss of function.

Allele frequency attached by ClinVar (database versions not stated): gnomAD exomes below 0.00001; ExAC 0.00001.
gnomAD v4.1: 1 of 1,613,700 alleles (0.000062%); highest among the groups gnomAD compares: Non-Finnish European, 0.000085%; no homozygotes.

Submissions (9):

Labcorp Genetics (formerly Invitae), Labcorp
Classification: Uncertain significance for Hereditary breast ovarian cancer syndrome. Last evaluated: 2025-10-09. Review status: criteria provided, single submitter. Criteria: Invitae Variant Classification Sherloc (09022015). Collection method: clinical testing. Allele origin: germline.
Comment: This sequence change replaces threonine, which is neutral and polar, with alanine, which is neutral and non-polar, at codon 1128 of the BRCA2 protein (p.Thr1128Ala). The frequency data for this variant in the population databases is considered unreliable, as metrics indicate poor data quality at this position in the gnomAD database. This variant has not been reported in the literature in individuals affected with BRCA2-related conditions. ClinVar contains an entry for this variant (Variation ID: 182200). Invitae Evidence Modeling of protein sequence and biophysical properties (such as structural, functional, and spatial information, amino acid conservation, physicochemical variation, residue mobility, and thermodynamic stability) indicates that this missense variant is not expected to disrupt BRCA2 protein function with a negative predictive value of 95%. In summary, the available evidence is currently insufficient to determine the role of this variant in disease. Therefore, it has been classified as a Variant of Uncertain Significance.

Ambry Genetics
Classification: Uncertain significance for Hereditary cancer-predisposing syndrome. Last evaluated: 2024-08-06. Review status: criteria provided, single submitter. Criteria: Ambry Variant Classification Scheme 2023. Collection method: clinical testing. Allele origin: germline.
Comment: The p.T1128A variant (also known as c.3382A>G), located in coding exon 10 of the BRCA2 gene, results from an A to G substitution at nucleotide position 3382. The threonine at codon 1128 is replaced by alanine, an amino acid with similar properties. This amino acid position is highly conserved in available vertebrate species. In addition, the in silico prediction for this alteration is inconclusive. Based on the available evidence, the clinical significance of this variant remains unclear.

All of Us Research Program, National Institutes of Health
Classification: Uncertain significance for BRCA2-related cancer predisposition. Last evaluated: 2024-06-09. Review status: criteria provided, single submitter. Criteria: ACMG Guidelines, 2015. Collection method: clinical testing. Allele origin: germline. Inheritance: Autosomal dominant inheritance. Observed: 3 variant alleles, 3 heterozygotes.
Comment: This missense variant replaces threonine with alanine at codon 1128 of the BRCA2 protein. Computational prediction suggests that this variant may not impact protein structure and function. To our knowledge, functional studies have not been reported for this variant. This variant has been identified in 1/250046 chromosomes in the general population by the Genome Aggregation Database (gnomAD). The available evidence is insufficient to determine the role of this variant in disease conclusively. Therefore, this variant is classified as a Variant of Uncertain Significance.

This study involves interpretation of variants in research participants for the purpose of population health screening. Participant phenotype was not available at the time of variant classification. Additional details can be found in publication PMID: 35346344, PMCID: PMC8962531

Color Diagnostics, LLC DBA Color Health
Classification: Uncertain significance for Hereditary cancer-predisposing syndrome. Last evaluated: 2024-05-22. Review status: criteria provided, single submitter. Criteria: ACMG Guidelines, 2015. Collection method: clinical testing. Allele origin: germline.
Comment: This missense variant replaces threonine with alanine at codon 1128 of the BRCA2 protein. Computational prediction suggests that this variant may not impact protein structure and function. To our knowledge, functional studies have not been reported for this variant. This variant has been identified in 1/250046 chromosomes in the general population by the Genome Aggregation Database (gnomAD). The available evidence is insufficient to determine the role of this variant in disease conclusively. Therefore, this variant is classified as a Variant of Uncertain Significance.

University of Washington Department of Laboratory Medicine, University of Washington
Classification: Likely benign for Hereditary cancer-predisposing syndrome. Last evaluated: 2023-03-23. Review status: criteria provided, single submitter. Criteria: Dines et al. (Genet Med. 2020). Collection method: curation. Allele origin: germline.
Comment: Missense variant in a coldspot region where missense variants are very unlikely to be pathogenic (PMID:31911673).

BRCA2 exon 11 coldspot. Reclassification based on statistical prior probability.

GeneDx
Classification: Uncertain significance. Last evaluated: 2023-03-02. Review status: criteria provided, single submitter. Criteria: GeneDx Variant Classification Process June 2021. Collection method: clinical testing. Allele origin: germline. Affected: yes.
Comment: Not observed at significant frequency in large population cohorts (gnomAD); In silico analysis supports that this missense variant has a deleterious effect on protein structure/function; Has not been previously published as pathogenic or benign to our knowledge; Also known as 3610A>G; This variant is associated with the following publications: (PMID: 29884841, 32377563, 31131967)

Women's Health and Genetics/Laboratory Corporation of America, LabCorp
Classification: Uncertain significance. Last evaluated: 2022-09-23. Review status: criteria provided, single submitter. Criteria: LabCorp Variant Classification Summary - May 2015. Collection method: clinical testing. Allele origin: germline.

Quest Diagnostics Nichols Institute San Juan Capistrano
Classification: Uncertain significance. Last evaluated: 2022-09-16. Review status: criteria provided, single submitter. Criteria: Quest Diagnostics criteria. Collection method: clinical testing. Allele origin: unknown.
Comment: The variant has not been reported in the published literature. The frequency of this variant in the general population, 0.000004 (1/250046 chromosomes), is uninformative in assessment of its pathogenicity. Analysis of this variant using bioinformatics tools for the prediction of the effect of amino acid changes on protein structure and function yielded predictions that this variant is damaging. Based on the available information, we are unable to determine the clinical significance of this variant.

Genetic Services Laboratory, University of Chicago
Classification: Uncertain significance. Last evaluated: 2016-02-23. Review status: criteria provided, single submitter. Criteria: ACMG Guidelines, 2015. Collection method: clinical testing. Allele origin: germline. Affected: no.

Literature cited by the submitters: PubMed 31131967 (cited by All of Us Research Program, National Institutes of Health and Color Diagnostics, LLC DBA Color Health).